The following is an entry in ClinVar:

NM_000489.6(ATRX):c.4710T>C (p.Phe1570=)

Gene: ATRX (ATRX chromatin remodeler; minus strand). Cytogenetic location: Xq21.1.
Variant type: single nucleotide variant.
Coding change: c.4710T>C on transcript NM_000489.6 (MANE Select); coding-DNA position 4710, T replaced by C.
Protein change: p.Phe1570=; no amino-acid change (phenylalanine 1570 retained).
Molecular consequence: synonymous variant.
Genome position (GRCh38, 1-based): chrX:77,634,693, A>G on the plus strand (T>C on the coding strand, the complement: ATRX is on the minus strand). VCF-style: chrX-77634693-A-G. GRCh37 (hg19) VCF-style: chrX-76890184-A-G.
Other names: c.4596T>C, p.Phe1532= (NM_138270.5).
Identifiers: ClinVar variation 795722 (VCV000795722.15), dbSNP rs781829081, ClinGen allele CA10457760.

ClinVar aggregate classification (germline): Benign. Review status: criteria provided, single submitter (1 of 4 stars). 3 submissions from 3 submitters: Benign (1). 2 of the submissions do not count toward it. Last evaluated 2023-12-04.

Conditions:
Alpha thalassemia-X-linked intellectual disability syndrome (ATRX). Also called: ATR-X syndrome; Alpha thalassemia mental retardation syndrome, nondeletion type, X-linked; XLMR hypotonic face syndrome; ALPHA-THALASSEMIA/IMPAIRED INTELLECTUAL DEVELOPMENT SYNDROME, X-LINKED; ALPHA-THALASSEMIA/MENTAL RETARDATION SYNDROME, X-LINKED; ATR, NONDELETION TYPE. Identifiers: Orphanet 847, MedGen C1845055, MONDO:0010519, OMIM 301040.
ATRX-related disorder. Also called: ATRX-related condition.

Allele frequency attached by ClinVar (database versions not stated): gnomAD exomes 0.00001 and 0.00005; gnomAD 0.00003; 1000 Genomes Project 0.00026; 1000 Genomes Project 30x 0.00021; TOPMed 0.00004; ExAC 0.00005.
gnomAD v4.1: 13 of 1,205,456 alleles (0.0011%); highest among the groups gnomAD compares: East Asian, 0.039%; no homozygotes.

Submissions (3):

Labcorp Genetics (formerly Invitae), Labcorp
Classification: Benign for Alpha thalassemia-X-linked intellectual disability syndrome. Last evaluated: 2023-12-04. Review status: criteria provided, single submitter. Criteria: Invitae Variant Classification Sherloc (09022015). Collection method: clinical testing. Allele origin: germline.

Natera, Inc.
Classification: Uncertain significance for X-linked alpha-thalassemia-mental retardation syndrome. Last evaluated: 2020-10-22. Review status: no assertion criteria provided. Collection method: clinical testing. Allele origin: germline. Not counted in ClinVar's aggregate classification.

PreventionGenetics, part of Exact Sciences
Classification: Likely benign for ATRX-related condition. Last evaluated: 2019-10-04. Review status: no assertion criteria provided. Collection method: clinical testing. Allele origin: germline. Not counted in ClinVar's aggregate classification.
Comment: This variant is classified as likely benign based on ACMG/AMP sequence variant interpretation guidelines (Richards et al. 2015 PMID: 25741868, with internal and published modifications).